The following is an entry in ClinVar:

ClinVar aggregate classification (germline): Uncertain significance. Review status: criteria provided, single submitter (1 of 4 stars). 2 submissions from 2 submitters: Uncertain significance (1). 1 of the submissions does not count toward it. Last evaluated 2021-08-31.

Conditions:
Familial dysautonomia. Also called: FD; HSAN III. Identifiers: Orphanet 1764, MedGen C0013364, MONDO:0009131, OMIM 223900. Disease mechanism: loss of function.

Allele frequency attached by ClinVar (database versions not stated): gnomAD 0.00001; gnomAD exomes 0.00001; TOPMed 0.00001.
gnomAD v4.1: 12 of 1,571,616 alleles (0.00076%); highest among the groups gnomAD compares: Non-Finnish European, 0.00096%; no homozygotes.

Submissions (2):

Labcorp Genetics (formerly Invitae), Labcorp
Classification: Uncertain significance. Last evaluated: 2021-08-31. Review status: criteria provided, single submitter. Criteria: Invitae Variant Classification Sherloc (09022015). Collection method: clinical testing. Allele origin: germline.
Comment: This sequence change replaces leucine with phenylalanine at codon 782 of the ELP1 protein (p.Leu782Phe). The leucine residue is highly conserved and there is a small physicochemical difference between leucine and phenylalanine. This variant is not present in population databases (ExAC no frequency). This variant has not been reported in the literature in individuals affected with ELP1-related conditions. Algorithms developed to predict the effect of missense changes on protein structure and function are either unavailable or do not agree on the potential impact of this missense change (SIFT: "Tolerated"; PolyPhen-2: "Probably Damaging"; Align-GVGD: "Class C0"). Algorithms developed to predict the effect of sequence changes on RNA splicing suggest that this variant is not likely to affect RNA splicing. In summary, the available evidence is currently insufficient to determine the role of this variant in disease. Therefore, it has been classified as a Variant of Uncertain Significance.

Natera, Inc.
Classification: Uncertain significance for Familial dysautonomia. Last evaluated: 2020-11-18. Review status: no assertion criteria provided. Collection method: clinical testing. Allele origin: germline. Not counted in ClinVar's aggregate classification.

NM_003640.5(ELP1):c.2346G>T (p.Leu782Phe)

Gene: ELP1 (elongator acetyltransferase complex subunit 1; minus strand). Cytogenetic location: 9q31.3.
Variant type: single nucleotide variant.
Coding change: c.2346G>T on transcript NM_003640.5 (MANE Select); coding-DNA position 2346, G replaced by T.
Protein change: p.Leu782Phe; replaces leucine 782 with phenylalanine.
Molecular consequence: missense variant.
Genome position (GRCh38, 1-based): chr9:108,898,519, C>A on the plus strand (G>T on the coding strand, the complement: ELP1 is on the minus strand). VCF-style: chr9-108898519-C-A. GRCh37 (hg19) VCF-style: chr9-111660799-C-A.
Other names: c.2004G>T, p.Leu668Phe (NM_001318360.2); c.1299G>T, p.Leu433Phe (NM_001330749.2); short protein forms L433F, L668F, L782F.
Identifiers: ClinVar variation 1023967 (VCV001023967.7), dbSNP rs1182966138, ClinGen allele CA374421761.